The following is an entry in ClinVar:

NM_174936.4(PCSK9):c.2T>G (p.Met1Arg)

Gene: PCSK9 (proprotein convertase subtilisin/kexin type 9; plus strand). Cytogenetic location: 1p32.3.
Variant type: single nucleotide variant.
Coding change: c.2T>G on transcript NM_174936.4 (MANE Select); coding-DNA position 2, T replaced by G.
Protein change: p.Met1Arg; changes the start codon (methionine 1).
Molecular consequence: missense variant, initiator codon variant.
Genome position (GRCh38, 1-based): chr1:55,039,839, T>G. VCF-style: chr1-55039839-T-G. GRCh37 (hg19) VCF-style: chr1-55505512-T-G.
Other names: short protein forms M1R.
Identifiers: ClinVar variation 919992 (VCV000919992.5), dbSNP rs1209186979, ClinGen allele CA340482584.
Genomic context (GRCh38, chr1:55,039,839, plus strand): 5'-TGGACCGCGCACGGCCTCTAGGTCTCCTCGCCAGGACAGCAACCTCTCCCCTGGCCCTCA[T>G]GGGCACCGTCAGCTCCAGGCGGTCCTGGTGGCCGCTGCCACTGCTGCTGCTGCTGCTGCT-3'
Protein context (NP_777596.2, residues 1-11): [Met1Arg]GTVSSRRSWW

ClinVar aggregate classification (germline): Uncertain significance. Review status: criteria provided, multiple submitters, no conflicts (2 of 4 stars). 2 submissions from 2 submitters: Uncertain significance (2). Last evaluated 2024-09-23.

Conditions:
Familial hypercholesterolemia. Also called: Familial hypercholesterolemias; Familial hypercholesterolaemia. Identifiers: MedGen C0020445, MONDO:0005439.
Hypercholesterolemia, autosomal dominant, 3 (FHCL3). Also called: Familial hypercholesterolemia 3; Familial Hypercholesterolemia, Autosomal Dominant, 3; PCSK9-Related Familial Hypercholesterolemia, Autosomal Dominant. Identifiers: MedGen C1863551, MONDO:0011369, OMIM 603776.

Allele frequency attached by ClinVar (database versions not stated): gnomAD 0.00001.

Submissions (2):

All of Us Research Program, National Institutes of Health
Classification: Uncertain significance for Hypercholesterolemia, autosomal dominant, 3. Last evaluated: 2024-09-23. Review status: criteria provided, single submitter. Criteria: ACMG Guidelines, 2015. Collection method: clinical testing. Allele origin: germline. Inheritance: Autosomal dominant inheritance. Observed: 1 variant allele, 1 heterozygote.
Comment: This variant causes a loss of translation start codon Met1 of the PCSK9 protein. To our knowledge, functional assays have not been performed for this variant nor has this variant been reported in individuals affected with familial hypercholesterolemia in the literature. This variant has not been identified in the general population by the Genome Aggregation Database (gnomAD). Available evidence is insufficient to determine the role of this variant in disease conclusively. Therefore, this variant is classified as a Variant of Uncertain Significance.

This study involves interpretation of variants in research participants for the purpose of population health screening. Participant phenotype was not available at the time of variant classification. Additional details can be found in publication PMID: 35346344, PMCID: PMC8962531

Color Diagnostics, LLC DBA Color Health
Classification: Uncertain significance for Familial hypercholesterolemia. Last evaluated: 2019-06-24. Review status: criteria provided, single submitter. Criteria: ACMG Guidelines, 2015. Collection method: clinical testing. Allele origin: germline.
Comment: This variant causes a loss of translation start codon Met1 of the PCSK9 protein. To our knowledge, functional assays have not been performed for this variant nor has this variant been reported in individuals affected with familial hypercholesterolemia in the literature. This variant has not been identified in the general population by the Genome Aggregation Database (gnomAD). Available evidence is insufficient to determine the role of this variant in disease conclusively. Therefore, this variant is classified as a Variant of Uncertain Significance.